The following is an entry in ClinVar:

ClinVar aggregate classification (germline): Pathogenic. Review status: reviewed by expert panel (3 of 4 stars). 24 submissions from 24 submitters: Pathogenic (1). 23 of the submissions do not count toward it. Last evaluated 2024-06-11.

Conditions:
Hereditary breast ovarian cancer syndrome. Also called: Breast and ovarian cancer; Hereditary breast and ovarian cancer; Hereditary breast and ovarian cancer syndrome (HBOC); Hereditary breast and ovarian cancer syndrome; BRCA1- and BRCA2-Associated Hereditary Breast and Ovarian Cancer; Hereditary breast and/or ovarian cancer syndrome. Identifiers: Orphanet 145, MedGen C0677776, MeSH D061325, MONDO:0003582. Disease mechanism: loss of function.
Fanconi anemia complementation group D1. Also called: BRCA2-Related Fanconi Anemia. Identifiers: Orphanet 319462, MedGen C1838457, MONDO:0011584, OMIM 605724.
Inherited breast cancer and ovarian cancer.
BRCA2-related cancer predisposition. Identifiers: MedGen CN377758, MONDO:0700269.
BRCA2-related disorder. Also called: BRCA2-related condition; BRCA2-related disorders. Identifiers: MedGen CN239275.
Familial prostate cancer. Also called: Hereditary Prostate Cancer. Identifiers: MedGen C2931456, MONDO:0700275, OMIM 176807.
Hereditary cancer-predisposing syndrome. Also called: Neoplastic Syndromes, Hereditary; Tumor predisposition; Hereditary Cancer Syndrome; Hereditary neoplastic syndrome. Identifiers: Orphanet 140162, MedGen C0027672, MeSH D009386, MONDO:0015356.
Breast-ovarian cancer, familial, susceptibility to, 2 (BROVCA2). Also called: BRCA2 Hereditary Breast and Ovarian Cancer. Identifiers: Orphanet 145, MedGen C2675520, MONDO:0012933, OMIM 612555. Disease mechanism: loss of function.
Familial cancer of breast. Also called: BREAST CANCER, FAMILIAL; hereditary breast carcinoma; Hereditary breast cancer. Identifiers: Orphanet 227535, MedGen C0346153, MONDO:0016419, OMIM 114480. Disease mechanism: loss of function.

Allele frequency attached by ClinVar (database versions not stated): gnomAD exomes below 0.00001.
gnomAD v4.1: 5 of 1,612,350 alleles (0.00031%); highest among the groups gnomAD compares: Non-Finnish European, 0.00042%; no homozygotes.

Submissions 1 to 7 of 24:

ClinGen ENIGMA BRCA1 and BRCA2 Variant Curation Expert Panel, ClinGen
Classification: Pathogenic for BRCA2-related cancer predisposition. Last evaluated: 2024-06-11. Review status: reviewed by expert panel. Criteria: CSpec BRCA1/2ACMG Rules Specifications V1.0. Collection method: curation. Allele origin: germline. Inheritance: Autosomal dominant inheritance.
Comment: The c.7977-1G>C variant is an intronic variant within the native acceptor 1,2 splice site occurring in intron 17 of the BRCA2 gene. This variant is present in gnomAD v2.1 (exomes only, non-cancer subset) or gnomAD v3.1 (non-cancer subset) but is below the ENIGMA BRCA1/2 VCEP threshold >0.00002 for BS1_Supporting (PM2_Supporting, BS1, and BA1 are not met). This variant is reported to result in aberrant mRNA splicing. RT-PCR and Mini-gene assays demonstrated that the variant impacts splicing by skipping of exon 18 (PMIDs: 16211554, 28339459). Appropriate code strength determined by comparison of results to PVS1 decision tree (PVS1 (RNA) met). Multifactorial likelihood ratio analysis using clinically calibrated data produced a combined LR for this variant of 1921581780 (based on Cosegregation LR=1984740; Pathology LR=10.2; Family History LR=94.9), above the threshold for Very strong evidence towards pathogenicity (LR >350) (PP4_Very strong met; PMID: 31131967, 31853058). In summary, this variant meets the criteria to be classified as a Pathogenic variant for BRCA2-related cancer predisposition based on the ACMG/AMP criteria applied as specified by the ENIGMA BRCA1/2 VCEP (PVS1 (RNA), PP4_Very strong).

Ambry Genetics
Classification: Pathogenic for Hereditary cancer-predisposing syndrome. Last evaluated: 2026-07-31. Review status: criteria provided, single submitter. Criteria: Ambry Variant Classification Scheme 2023. Collection method: clinical testing. Allele origin: germline. Not counted in ClinVar's aggregate classification.
Comment: The c.7977-1G>C intronic alteration consists of a G to C substitution one nucleotide before Intron 16 of the BRCA2 gene. Alterations that disrupt the canonical splice site are expected to cause aberrant splicing, resulting in an abnormal protein or a transcript that is subject to nonsense-mediated mRNA decay. Based on data from gnomAD, the C allele has an overall frequency of 0.001% (2/281032) total alleles studied. The highest observed frequency was 0.002% (2/128186) of European (non-Finnish) alleles. A multifactorial likelihood ratio model that included co-segregation, pathology, co-occurrence, and family history data found this alteration to be pathogenic (Spurdle, 2010; Parsons, 2019). Note, this variant is also referred to as IVS17-1G>C in the literature. This nucleotide position is highly conserved in available vertebrate species. RNA studies have demonstrated that this alteration results in abnormal splicing in the set of samples tested (Ambry internal data; Fraile-Bethencourt, 2017). In silico splice site analysis predicts that this alteration will weaken the native splice acceptor site. Based on the available evidence, this alteration is classified as pathogenic.

Labcorp Genetics (formerly Invitae), Labcorp
Classification: Pathogenic for Hereditary breast ovarian cancer syndrome. Last evaluated: 2026-01-27. Review status: criteria provided, single submitter. Criteria: Invitae Variant Classification Sherloc (09022015). Collection method: clinical testing. Allele origin: germline. Not counted in ClinVar's aggregate classification.
Comment: This sequence change affects an acceptor splice site in intron 17 of the BRCA2 gene. RNA analysis indicates that disruption of this splice site induces altered splicing and may result in an absent or altered protein product. This variant is present in population databases (rs81002874, gnomAD 0.002%). Disruption of this splice site has been observed in individual(s) with prostate, ovarian, and breast cancer (PMID: 12474142, 16211554, 22006311, 23479189). This variant is also known as IVS17-1G>C or 8205-1G>C. ClinVar contains an entry for this variant (Variation ID: 38132). Based on a multifactorial likelihood algorithm using genetic, in silico, and/or statistical data, this variant has been determined to have a high probability of being pathogenic (PMID: 20020529). Studies have shown that disruption of this splice site results in skipping of exons 17-18 and skipping of exon 18, and produces a non-functional protein and/or introduces a premature termination codon (PMID: 16211554, 22006311; internal data). For these reasons, this variant has been classified as Pathogenic.

Center for Genomic Medicine, Rigshospitalet, Copenhagen University Hospital
Classification: Pathogenic. Last evaluated: 2025-03-04. Review status: criteria provided, single submitter. Criteria: ACMG Guidelines, 2015. Collection method: clinical testing. Allele origin: germline. Not counted in ClinVar's aggregate classification.

ARUP Laboratories, Molecular Genetics and Genomics, ARUP Laboratories
Classification: Pathogenic. Last evaluated: 2025-02-14. Review status: criteria provided, single submitter. Criteria: ARUP Molecular Germline Variant Investigation Process 2024. Collection method: clinical testing. Allele origin: germline. Not counted in ClinVar's aggregate classification.
Comment: The BRCA2 c.7977-1G>C variant (rs81002874), also known as IVS17-1G>C, has been reported in individuals diagnosed with inherited ovarian cancer (Walsh 2011) and early-onset prostate cancer (Edwards 2003, Edwards 2010). Multifactorial analysis using co-segregation and clinical data suggests the variant has a high likelihood of causality (Spurdle 2010), and it has been classified multiple times as pathogenic in ClinVar (Variation ID: 38132). This variant is only observed on two alleles in the Genome Aggregation Database, indicating it is not a common polymorphism. This variant disrupts the canonical splice acceptor site of intron 17, which is likely to negatively impact gene function. Based on available information, this variant is considered to be pathogenic. References: Edwards S et al. Two percent of men with early-onset prostate cancer harbor germline mutations in the BRCA2 gene. Am J Hum Genet. 2003 Jan;72(1):1-12. Edwards S et al. Prostate cancer in BRCA2 germline mutation carriers is associated with poorer prognosis. Br J Cancer. 2010 Sep 7;103(6):918-24. Spurdle A et al. Bayes analysis provides evidence of pathogenicity for the BRCA1 c.135-1G>T (IVS3-1) and BRCA2 c.7977-1G>C (IVS17-1) variants displaying in vitro splicing results of equivocal clinical significance. Hum Mutat. 2010 Feb;31(2):E1141-5. Walsh T et al. Mutations in 12 genes for inherited ovarian, fallopian tube, and peritoneal carcinoma identified by massively parallel sequencing. Proc Natl Acad Sci U S A. 2011 Nov 1;108(44):18032-7.

Blueprint Genetics
Classification: Pathogenic for BRCA2-related disorders. Last evaluated: 2024-10-09. Review status: criteria provided, single submitter. Criteria: ACMG Guidelines, 2015. Collection method: clinical testing. Allele origin: germline. Affected: yes. Observed: 5 variant alleles. Not counted in ClinVar's aggregate classification.

Color Diagnostics, LLC DBA Color Health
Classification: Pathogenic for Hereditary cancer-predisposing syndrome. Last evaluated: 2024-08-26. Review status: criteria provided, single submitter. Criteria: ACMG Guidelines, 2015. Collection method: clinical testing. Allele origin: germline. Not counted in ClinVar's aggregate classification.
Comment: This variant causes a G to C nucleotide substitution at the -1 position of intron 17 of the BRCA2 gene. RNA studies have shown that this variant causes aberrant transcripts which skip exon 18, resulting in frameshifts and premature translation stop signals (PMID: 22006311, 28339459). This variant has been detected in a breast cancer case-control meta-analysis in 4/60466 cases and 1/53461 unaffected individuals (PMID: 33471991; Leiden Open Variation Database DB-ID BRCA2_000488). This variant has a combined likelihood ratio for pathogenicity greater than 900:1 from individual likelihood ratios based on segregation, tumor pathology and personal and family history (PMID: 31131967, 31853058). This variant has been identified in 2/281032 chromosomes in the general population by the Genome Aggregation Database (gnomAD). Loss of BRCA2 function is a known mechanism of disease. Based on the available evidence, this variant is classified as Pathogenic.

NM_000059.4(BRCA2):c.7977-1G>C

Gene: BRCA2 (BRCA2 DNA repair associated; plus strand). Cytogenetic location: 13q13.1.
Variant type: single nucleotide variant.
Coding change: c.7977-1G>C on transcript NM_000059.4 (MANE Select); the canonical splice acceptor site of the intron before coding-DNA position 7977, G replaced by C.
Molecular consequence: splice acceptor variant.
Genome position (GRCh38, 1-based): chr13:32,363,178, G>C. VCF-style: chr13-32363178-G-C. GRCh37 (hg19) VCF-style: chr13-32937315-G-C.
Other names: IVS17-1G>C; c.7977-1G>C (NM_001406720.1); c.7881-1G>C (NM_001406719.1); c.3045-1G>C (NM_001406721.1); c.1560-1G>C (NM_001406722.1).
Identifiers: ClinVar variation 38132 (VCV000038132.51), dbSNP rs81002874, ClinGen allele CA025372.